The following is an entry in ClinVar:

ClinVar aggregate classification (germline): Likely benign (1 of 4 stars; one submission).

Allele frequency attached by ClinVar (database versions not stated): 1000 Genomes Project 30x 0.00640; 1000 Genomes Project 0.00719; TOPMed 0.01308; gnomAD 0.01406 and 0.01421.

Submission:

GeneDx
Classification: Likely benign. Last evaluated: 2018-06-16. Review status: criteria provided, single submitter. Criteria: GeneDx Variant Classification (06012015). Collection method: clinical testing. Allele origin: germline. Affected: yes.
Comment: This variant is considered likely benign or benign based on one or more of the following criteria: it is a conservative change, it occurs at a poorly conserved position in the protein, it is predicted to be benign by multiple in silico algorithms, and/or has population frequency not consistent with disease.

NM_001382391.1(CSPP1):c.1697+265T>C

Gene: CSPP1 (centrosome and spindle pole associated protein 1; plus strand). Cytogenetic location: 8q13.2.
Variant type: single nucleotide variant.
Coding change: c.1697+265T>C on transcript NM_001382391.1 (MANE Select); 265 bases into the intron after coding-DNA position 1697, T replaced by C.
Molecular consequence: intron variant.
Genome position (GRCh38, 1-based): chr8:67,119,086, T>C. VCF-style: chr8-67119086-T-C. GRCh37 (hg19) VCF-style: chr8-68031321-T-C.
Other names: c.1655+265T>C (NM_001363132.2); c.1616+265T>C (NM_001363131.2); c.1574+265T>C (NM_001363133.2); c.1763+265T>C (NM_001364869.1); c.1682+265T>C (NM_024790.7, NM_001438331.1, NM_001438330.1); c.1583+265T>C (NM_001364870.1); c.1151+265T>C (NM_001438332.1); c.800+265T>C (NM_001291339.2).
Identifiers: ClinVar variation 673523 (VCV000673523.1), dbSNP rs143878012, ClinGen allele CA12839035.